The following is an entry in ClinVar:

ClinVar aggregate classification (germline): Uncertain significance. Review status: criteria provided, multiple submitters, no conflicts (2 of 4 stars). 2 submissions from 2 submitters: Uncertain significance (2). Last evaluated 2025-06-29.

Allele frequency attached by ClinVar (database versions not stated): gnomAD exomes below 0.00001.
gnomAD v4.1: 1 of 1,610,578 alleles (0.000062%); highest among the groups gnomAD compares: Admixed American, 0.0017%; no homozygotes.

Submissions (2):

Ambry Genetics
Classification: Uncertain significance. Last evaluated: 2025-06-29. Review status: criteria provided, single submitter. Criteria: Ambry Variant Classification Scheme 2023. Collection method: clinical testing. Allele origin: germline.

Labcorp Genetics (formerly Invitae), Labcorp
Classification: Uncertain significance. Last evaluated: 2023-05-04. Review status: criteria provided, single submitter. Criteria: Invitae Variant Classification Sherloc (09022015). Collection method: clinical testing. Allele origin: germline.
Comment: This variant has not been reported in the literature in individuals affected with RUSC2-related conditions. This variant is not present in population databases (gnomAD no frequency). This sequence change replaces asparagine, which is neutral and polar, with histidine, which is basic and polar, at codon 1516 of the RUSC2 protein (p.Asn1516His). Experimental studies and prediction algorithms are not available or were not evaluated, and the functional significance of this variant is currently unknown. In summary, the available evidence is currently insufficient to determine the role of this variant in disease. Therefore, it has been classified as a Variant of Uncertain Significance.

NM_014806.5(RUSC2):c.4546A>C (p.Asn1516His)

Gene: RUSC2 (RUN and SH3 domain containing 2; plus strand). Cytogenetic location: 9p13.3.
Variant type: single nucleotide variant.
Coding change: c.4546A>C on transcript NM_014806.5 (MANE Select); coding-DNA position 4546, A replaced by C.
Protein change: p.Asn1516His; replaces asparagine 1516 with histidine.
Molecular consequence: missense variant. On other transcripts: non-coding transcript variant (1).
Genome position (GRCh38, 1-based): chr9:35,561,377, A>C. VCF-style: chr9-35561377-A-C. GRCh37 (hg19) VCF-style: chr9-35561374-A-C.
Other names: c.4546A>C, p.Asn1516His (NM_001135999.2); c.1912A>C, p.Asn638His (NM_001330740.2); c.4546A>C (NM_001135999.1); short protein forms N638H, N1516H.
Identifiers: ClinVar variation 2842523 (VCV002842523.4), dbSNP rs2490422367, ClinGen allele CA373358276.